The following is an entry in ClinVar:

NM_016139.4(CHCHD2):c.296A>G (p.Tyr99Cys)

Gene: CHCHD2 (coiled-coil-helix-coiled-coil-helix domain containing 2; minus strand). Cytogenetic location: 7p11.2.
Variant type: single nucleotide variant.
Coding change: c.296A>G on transcript NM_016139.4 (MANE Select); coding-DNA position 296, A replaced by G.
Protein change: p.Tyr99Cys; replaces tyrosine 99 with cysteine.
Molecular consequence: missense variant.
Genome position (GRCh38, 1-based): chr7:56,104,230, T>C on the plus strand (A>G on the coding strand, the complement: CHCHD2 is on the minus strand). VCF-style: chr7-56104230-T-C. GRCh37 (hg19) VCF-style: chr7-56171923-T-C.
Other names: c.296A>G, p.Tyr99Cys (NM_001320327.2); short protein forms Y99C.
Identifiers: ClinVar variation 2785456 (VCV002785456.3), dbSNP rs2535863013, ClinGen allele CA367612598.

ClinVar aggregate classification (germline): Uncertain significance (1 of 4 stars; one submission).

Submission:

Labcorp Genetics (formerly Invitae), Labcorp
Classification: Uncertain significance. Last evaluated: 2024-01-06. Review status: criteria provided, single submitter. Criteria: Invitae Variant Classification Sherloc (09022015). Collection method: clinical testing. Allele origin: germline.
Comment: This sequence change replaces tyrosine, which is neutral and polar, with cysteine, which is neutral and slightly polar, at codon 99 of the CHCHD2 protein (p.Tyr99Cys). This variant is not present in population databases (gnomAD no frequency). This variant has not been reported in the literature in individuals affected with CHCHD2-related conditions. An algorithm developed to predict the effect of missense changes on protein structure and function (PolyPhen-2) suggests that this variant is likely to be tolerated. In summary, the available evidence is currently insufficient to determine the role of this variant in disease. Therefore, it has been classified as a Variant of Uncertain Significance.